The following is an entry in ClinVar:

NC_000001.10:g.(?_243507497)_(243507653_?)del

Gene: SDCCAG8 (SHH signaling and ciliogenesis regulator SDCCAG8; plus strand). Cytogenetic location: 1q43.
Variant type: Deletion.
Identifiers: ClinVar variation 2425627 (VCV002425627.4).

ClinVar aggregate classification (germline): Uncertain significance (1 of 4 stars; one submission).

Conditions:
Senior-Loken syndrome 7 (SLSN7). Identifiers: Orphanet 3156, MedGen C3150877, MONDO:0013326, OMIM 613615.
Bardet-Biedl syndrome 16 (BBS16). Identifiers: Orphanet 110, MedGen C3889474, MONDO:0014444, OMIM 615993.

Submission:

Labcorp Genetics (formerly Invitae), Labcorp
Classification: Uncertain significance for Bardet-Biedl syndrome 16; Senior-Loken syndrome 7. Last evaluated: 2021-12-08. Review status: criteria provided, single submitter. Criteria: Invitae Variant Classification Sherloc (09022015). Collection method: clinical testing. Allele origin: germline.
Comment: In summary, the available evidence is currently insufficient to determine the role of this variant in disease. Therefore, it has been classified as a Variant of Uncertain Significance. Experimental studies and prediction algorithms are not available or were not evaluated, and the functional significance of this variant is currently unknown. This variant has not been reported in the literature in individuals affected with SDCCAG8-related conditions. This variant is a gross deletion of the genomic region encompassing exon(s) 12 of the SDCCAG8 gene. This variant would be expected to be in-frame, preserving the integrity of the reading frame.